The following is an entry in ClinVar:

NM_000393.5(COL5A2):c.2741C>T (p.Ala914Val)

Gene: COL5A2 (collagen type V alpha 2 chain; minus strand). Cytogenetic location: 2q32.2.
Variant type: single nucleotide variant.
Coding change: c.2741C>T on transcript NM_000393.5 (MANE Select); coding-DNA position 2741, C replaced by T.
Protein change: p.Ala914Val; replaces alanine 914 with valine.
Molecular consequence: missense variant.
Genome position (GRCh38, 1-based): chr2:189,052,200, G>A on the plus strand (C>T on the coding strand, the complement: COL5A2 is on the minus strand). VCF-style: chr2-189052200-G-A. GRCh37 (hg19) VCF-style: chr2-189916926-G-A.
Other names: p.A914V:GCG>GTG; c.2741C>T (NM_000393.4); short protein forms A914V.
Identifiers: ClinVar variation 213092 (VCV000213092.68), dbSNP rs201486858, ClinGen allele CA320491.
Genomic context (GRCh38, chr2:189,052,200, plus strand): 5'-TATCAGTGACTTGTCTCACTAAGTTGACTTACAGCAGGGCCTGGAGGTCCAACTCTGCCC[G>A]CAGAACCAGGAAATCCTGTAGCACCCTAGAACCAGAATATCATATAAGCAATTTTTAAGG-3'
Protein context (NP_000384.2, residues 904-924): PPGATGFPGS[Ala914Val]GRVGPPGPAG

ClinVar aggregate classification (germline): Conflicting classifications of pathogenicity. Review status: criteria provided, conflicting classifications (1 of 4 stars). 9 submissions from 8 submitters: Uncertain significance (5); Likely benign (3). 1 of the submissions does not count toward it. Last evaluated 2025-12-29.

Conditions:
Ehlers-Danlos syndrome, classic type, 2 (EDSCL2). Also called: Ehlers-Danlos syndrome type 2 (formerly); Ehlers-Danlos syndrome, type 2; Ehlers-Danlos Syndrome, Classic Type, COL5A2-Related. Identifiers: Orphanet 287, Orphanet 90318, MedGen C0268336, MONDO:0019568, OMIM 130010.
COL5A2-related disorder. Also called: COL5A2-related condition.
Familial thoracic aortic aneurysm and aortic dissection (TAAD). Also called: Thoracic aortic aneurysms and dissections. Identifiers: Orphanet 91387, MedGen C4707243, MONDO:0019625.
Ehlers-Danlos syndrome, classic type, 1 (EDSCL1). Also called: EHLERS-DANLOS SYNDROME, GRAVIS TYPE; EHLERS-DANLOS SYNDROME, SEVERE CLASSIC TYPE; Ehlers-Danlos syndrome, type 1; Ehlers-Danlos Syndrome, Classic Type, COL5A1-Related; EDS I. Identifiers: MedGen C0268335, MONDO:0019567, OMIM 130000.
Ehlers-Danlos syndrome, classic type (cEDS). Identifiers: Orphanet 287, MedGen C4225429, MONDO:0007522.

Allele frequency attached by ClinVar (database versions not stated): gnomAD exomes 0.00009; ExAC 0.00011; gnomAD 0.00011; TOPMed 0.00012.
gnomAD v4.1: 171 of 1,613,626 alleles (0.011%); highest among the groups gnomAD compares: East Asian, 0.074%; no homozygotes.

Submissions (9):

Labcorp Genetics (formerly Invitae), Labcorp
Classification: Likely benign for Ehlers-Danlos syndrome, classic type, 1. Last evaluated: 2025-12-29. Review status: criteria provided, single submitter. Criteria: Invitae Variant Classification Sherloc (09022015). Collection method: clinical testing. Allele origin: germline.

GeneDx
Classification: Uncertain significance. Last evaluated: 2025-07-17. Review status: criteria provided, single submitter. Criteria: GeneDx Variant Classification Process June 2021. Collection method: clinical testing. Allele origin: germline. Affected: yes.
Comment: In silico analysis supports that this missense variant has a deleterious effect on protein structure/function; Identified in a patient with Ehlers-Danlos syndrome (EDS) in published literature (PMID: 38534782); This variant is associated with the following publications: (PMID: 22696272, 38534782)

Women's Health and Genetics/Laboratory Corporation of America, LabCorp
Classification: Likely benign. Last evaluated: 2024-12-04. Review status: criteria provided, single submitter. Criteria: LabCorp Variant Classification Summary - May 2015. Collection method: clinical testing. Allele origin: germline.
Comment: Variant summary: COL5A2 c.2741C>T (p.Ala914Val) results in a non-conservative amino acid change in the encoded protein sequence. Four of five in-silico tools predict a damaging effect of the variant on protein function. The variant allele was found at a frequency of 9.1e-05 in 251466 control chromosomes, predominantly at a frequency of 0.00054 within the East Asian subpopulation in the gnomAD database. The observed variant frequency within East Asian control individuals in the gnomAD database is approximately 17-fold of the estimated maximal expected allele frequency for a pathogenic variant in COL5A2 causing Ehlers-Danlos syndrome, classic type, 2 phenotype (3.1e-05). To our knowledge, no occurrence of c.2741C>T in individuals affected with Ehlers-Danlos syndrome, classic type, 2 and no experimental evidence demonstrating its impact on protein function have been reported. ClinVar contains an entry for this variant (Variation ID: 213092). Based on the evidence outlined above, the variant was classified as likely benign.

Ambry Genetics
Classification: Uncertain significance for Familial thoracic aortic aneurysm and aortic dissection. Last evaluated: 2024-11-25. Review status: criteria provided, single submitter. Criteria: Ambry Variant Classification Scheme 2023. Collection method: clinical testing. Allele origin: germline.
Comment: The p.A914V variant (also known as c.2741C>T), located in coding exon 41 of the COL5A2 gene, results from a C to T substitution at nucleotide position 2741. The alanine at codon 914 is replaced by valine, an amino acid with similar properties. This amino acid position is highly conserved in available vertebrate species. In addition, the in silico prediction for this alteration is inconclusive. Since supporting evidence is limited at this time, the clinical significance of this alteration remains unclear.

Fulgent Genetics
Classification: Uncertain significance for Ehlers-Danlos syndrome, classic type, 2. Last evaluated: 2024-02-28. Review status: criteria provided, single submitter. Criteria: ACMG Guidelines, 2015. Collection method: clinical testing. Allele origin: germline.

CeGaT Center for Human Genetics Tuebingen
Classification: Uncertain significance. Last evaluated: 2019-03-01. Review status: criteria provided, single submitter. Criteria: CeGaT Center For Human Genetics Tuebingen Variant Classification Criteria Version 2. Collection method: clinical testing. Allele origin: germline. Affected: yes. Observed: 1 variant allele.

Fulgent Genetics
Classification: Uncertain significance for Ehlers-Danlos syndrome, classic type, 1. Last evaluated: 2018-10-31. Review status: criteria provided, single submitter. Criteria: ACMG Guidelines, 2015. Collection method: clinical testing. Allele origin: unknown.

Illumina Laboratory Services, Illumina
Classification: Likely benign for Ehlers-Danlos syndrome, classic type, 2. Last evaluated: 2018-01-13. Review status: criteria provided, single submitter. Criteria: ICSL Variant Classification Criteria 13 December 2019. Collection method: clinical testing. Allele origin: germline.
Comment: This variant was observed in the ICSL laboratory as part of a predisposition screen in an ostensibly healthy population. It had not been previously curated by ICSL or reported in the Human Gene Mutation Database (HGMD: prior to June 1st, 2018), and was therefore a candidate for classification through an automated scoring system. Utilizing variant allele frequency, disease prevalence and penetrance estimates, and inheritance mode, an automated score was calculated to assess if this variant is too frequent to cause the disease. Based on the score and internal cut-off values, a variant classified as likely benign is not then subjected to further curation. The score for this variant resulted in a classification of likely benign for this disease.

PreventionGenetics, part of Exact Sciences
Classification: Likely benign for COL5A2-related condition. Last evaluated: 2024-06-10. Review status: no assertion criteria provided. Collection method: clinical testing. Allele origin: germline. Not counted in ClinVar's aggregate classification.
Comment: This variant is classified as likely benign based on ACMG/AMP sequence variant interpretation guidelines (Richards et al. 2015 PMID: 25741868, with internal and published modifications).

Literature cited by the submitters: PubMed 38534782 (cited by Ambry Genetics).